The following is an entry in ClinVar:

NM_019098.5(CNGB3):c.1378G>A (p.Asp460Asn)

Gene: CNGB3 (cyclic nucleotide gated channel subunit beta 3; minus strand). Cytogenetic location: 8q21.3.
Variant type: single nucleotide variant.
Coding change: c.1378G>A on transcript NM_019098.5 (MANE Select); coding-DNA position 1378, G replaced by A.
Protein change: p.Asp460Asn; replaces aspartic acid 460 with asparagine.
Molecular consequence: missense variant.
Genome position (GRCh38, 1-based): chr8:86,629,021, C>T on the plus strand (G>A on the coding strand, the complement: CNGB3 is on the minus strand). VCF-style: chr8-86629021-C-T. GRCh37 (hg19) VCF-style: chr8-87641249-C-T.
Other names: short protein forms D460N.
Identifiers: ClinVar variation 842317 (VCV000842317.4), dbSNP rs148572872, ClinGen allele CA180338296.

ClinVar aggregate classification (germline): Uncertain significance. Review status: criteria provided, single submitter (1 of 4 stars). 2 submissions from 2 submitters: Uncertain significance (1). 1 of the submissions does not count toward it. Last evaluated 2021-08-31.

Conditions:
Achromatopsia. Also called: Rod monochromatism. Identifiers: Orphanet 49382, MedGen C0152200, MONDO:0018852, HP:0011516.

Allele frequency attached by ClinVar (database versions not stated): TOPMed below 0.00001; ESP Exome Variant Server 0.00008.
gnomAD v4.1: 6 of 1,614,020 alleles (0.00037%); highest among the groups gnomAD compares: Non-Finnish European, 0.00051%; no homozygotes.

Submissions (2):

Labcorp Genetics (formerly Invitae), Labcorp
Classification: Uncertain significance. Last evaluated: 2021-08-31. Review status: criteria provided, single submitter. Criteria: Invitae Variant Classification Sherloc (09022015). Collection method: clinical testing. Allele origin: germline.
Comment: This sequence change replaces aspartic acid with asparagine at codon 460 of the CNGB3 protein (p.Asp460Asn). The aspartic acid residue is highly conserved and there is a small physicochemical difference between aspartic acid and asparagine. This variant is not present in population databases (ExAC no frequency). This variant has not been reported in the literature in individuals affected with CNGB3-related conditions. Algorithms developed to predict the effect of missense changes on protein structure and function are either unavailable or do not agree on the potential impact of this missense change (SIFT: "Deleterious"; PolyPhen-2: "Possibly Damaging"; Align-GVGD: "Class C15"). In summary, the available evidence is currently insufficient to determine the role of this variant in disease. Therefore, it has been classified as a Variant of Uncertain Significance.

Natera, Inc.
Classification: Uncertain significance for Achromatopsia. Last evaluated: 2020-08-07. Review status: no assertion criteria provided. Collection method: clinical testing. Allele origin: germline. Not counted in ClinVar's aggregate classification.